The following is an entry in ClinVar:

NM_001130438.3(SPTAN1):c.7123G>C (p.Glu2375Gln)

Gene: SPTAN1 (spectrin alpha, non-erythrocytic 1; plus strand). Cytogenetic location: 9q34.11.
Variant type: single nucleotide variant.
Coding change: c.7123G>C on transcript NM_001130438.3 (MANE Select); coding-DNA position 7123, G replaced by C.
Protein change: p.Glu2375Gln; replaces glutamic acid 2375 with glutamine.
Molecular consequence: missense variant.
Genome position (GRCh38, 1-based): chr9:128,632,681, G>C. VCF-style: chr9-128632681-G-C. GRCh37 (hg19) VCF-style: chr9-131394960-G-C.
Other names: c.7063G>C, p.Glu2355Gln (NM_001375314.2, NM_001363765.2); c.7222G>C, p.Glu2408Gln (NM_001375318.1); c.7108G>C, p.Glu2370Gln (NM_003127.4); c.7123G>C (NM_001130438.2); c.7048G>C, p.Glu2350Gln (NM_001195532.2); c.7186G>C, p.Glu2396Gln (NM_001363759.2); c.7210G>C, p.Glu2404Gln (NM_001375310.1); c.7123G>C, p.Glu2375Gln (NM_001375311.2); and 2 more; short protein forms E2350Q, E2408Q, E2355Q, E2375Q, E2387Q, E2396Q, E2370Q, E2369Q.
Identifiers: ClinVar variation 2900040 (VCV002900040.4), dbSNP rs763633690, ClinGen allele CA5266008.
Genomic context (GRCh38, chr9:128,632,681, plus strand): 5'-TCTTGCCTGCGCTCCCTGGGCTATGACCTGCCCATGGTGGAGGAAGGGGAACCTGACCCT[G>C]AGTTCGAGGCAATCCTGGACACGGTGGATCCGAACAGGTAAATTAATTAAGGCCAGGTGC-3'
Protein context (NP_001123910.1, residues 2365-2385): PMVEEGEPDP[Glu2375Gln]FEAILDTVDP

ClinVar aggregate classification (germline): Uncertain significance. Review status: criteria provided, multiple submitters, no conflicts (2 of 4 stars). 2 submissions from 2 submitters: Uncertain significance (2). Last evaluated 2025-08-31.

Conditions:
SPTAN1-related disorder. Also called: SPTAN1-related condition; SPTAN1-related disorders.
Early-infantile DEE. Also called: Early infantile epileptic encephalopathy; Ohtahara syndrome; Early infantile epileptic encephalopathy with suppression bursts. Identifiers: Orphanet 1934, MedGen C0393706, MONDO:0800491.

Allele frequency attached by ClinVar (database versions not stated): TOPMed below 0.00001; ExAC 0.00001; gnomAD exomes 0.00001.
gnomAD v4.1: 5 of 1,614,040 alleles (0.00031%); highest among the groups gnomAD compares: Admixed American, 0.0083%; no homozygotes.

Submissions (2):

Labcorp Genetics (formerly Invitae), Labcorp
Classification: Uncertain significance for Early-infantile DEE. Last evaluated: 2025-08-31. Review status: criteria provided, single submitter. Criteria: Invitae Variant Classification Sherloc (09022015). Collection method: clinical testing. Allele origin: germline.
Comment: This sequence change replaces glutamic acid, which is acidic and polar, with glutamine, which is neutral and polar, at codon 2375 of the SPTAN1 protein (p.Glu2375Gln). This variant is present in population databases (rs763633690, gnomAD 0.006%). This variant has not been reported in the literature in individuals affected with SPTAN1-related conditions. ClinVar contains an entry for this variant (Variation ID: 2900040). Invitae Evidence Modeling of protein sequence and biophysical properties (such as structural, functional, and spatial information, amino acid conservation, physicochemical variation, residue mobility, and thermodynamic stability) has been performed for this missense variant. However, the output from this modeling did not meet the statistical confidence thresholds required to predict the impact of this variant on SPTAN1 protein function. In summary, the available evidence is currently insufficient to determine the role of this variant in disease. Therefore, it has been classified as a Variant of Uncertain Significance.

PreventionGenetics, part of Exact Sciences
Classification: Uncertain significance for SPTAN1-related condition. Last evaluated: 2025-01-15. Review status: criteria provided, single submitter. Criteria: ACMG Guidelines, 2015. Collection method: clinical testing. Allele origin: germline.
Comment: The SPTAN1 c.7123G>C variant is predicted to result in the amino acid substitution p.Glu2375Gln. To our knowledge, this variant has not been reported in the literature. This variant is reported in 0.0087% of alleles in individuals of Latino descent in gnomAD. At this time, the clinical significance of this variant is uncertain due to the absence of conclusive functional and genetic evidence.